The following is an entry in ClinVar:

NM_001368894.2(PAX6):c.510G>A (p.Trp170Ter)

Gene: PAX6 (paired box 6; minus strand). Cytogenetic location: 11p13.
Variant type: single nucleotide variant.
Coding change: c.510G>A on transcript NM_001368894.2 (MANE Select); coding-DNA position 510, G replaced by A.
Protein change: p.Trp170Ter; replaces tryptophan 170 with a stop codon.
Molecular consequence: nonsense. On other transcripts: non-coding transcript variant (2).
Genome position (GRCh38, 1-based): chr11:31,800,746, C>T on the plus strand (G>A on the coding strand, the complement: PAX6 is on the minus strand). VCF-style: chr11-31800746-C-T. GRCh37 (hg19) VCF-style: chr11-31822294-C-T.
Other names: c.468G>A, p.Trp156Ter (NM_000280.6, NM_001127612.3, NM_001258464.2 and 10 more transcripts); c.510G>A, p.Trp170Ter (NM_001258462.3, NM_001258463.2, NM_001310158.2 and 6 more transcripts); c.60G>A, p.Trp20Ter (NM_001310160.2, NM_001310161.3, NM_001368899.2 and 11 more transcripts); c.711G>A, p.Trp237Ter (NM_001368910.2); c.513G>A, p.Trp171Ter (NM_001368911.2); c.585G>A, p.Trp195Ter (NM_001368918.2, NM_001368919.2); c.543G>A, p.Trp181Ter (NM_001368920.2); c.309G>A, p.Trp103Ter (NM_001368921.2, NM_001368922.2, NM_001368923.2 and 4 more transcripts); and 1 more; short protein forms W156*, W170*, W171*, W181*, W237*, W103*, W20*, W89*.
Identifiers: ClinVar variation 521078 (VCV000521078.10), dbSNP rs1554985028, ClinGen allele CA379958053.

ClinVar aggregate classification (germline): Pathogenic. Review status: criteria provided, multiple submitters, no conflicts (2 of 4 stars). 3 submissions from 3 submitters: Pathogenic (3). Last evaluated 2022-01-06.

Conditions:
Aniridia 1 (AN1). Identifiers: Orphanet 250923, MedGen C0344542, MONDO:0024507, OMIM 106210.
Irido-corneo-trabecular dysgenesis (ASGD5). Also called: ANTERIOR SEGMENT DYSGENESIS 5. Identifiers: Orphanet 708, MedGen C0344559, MONDO:0011414, OMIM 604229, HP:0000659.
Inborn genetic diseases. Identifiers: MedGen C0950123, MeSH D030342.

Allele frequency attached by ClinVar (database versions not stated): gnomAD exomes below 0.00001.
gnomAD v4.1: 1 of 1,614,196 alleles (0.000062%); highest among the groups gnomAD compares: African/African-American, 0.0013%; no homozygotes.

Submissions (3):

Labcorp Genetics (formerly Invitae), Labcorp
Classification: Pathogenic for Aniridia 1; Irido-corneo-trabecular dysgenesis. Last evaluated: 2022-01-06. Review status: criteria provided, single submitter. Criteria: Invitae Variant Classification Sherloc (09022015). Collection method: clinical testing. Allele origin: germline.
Comment: ClinVar contains an entry for this variant (Variation ID: 521078). For these reasons, this variant has been classified as Pathogenic. This premature translational stop signal has been observed in individual(s) with aniridia (PMID: 28321846, 32360764). This variant is not present in population databases (gnomAD no frequency). This sequence change creates a premature translational stop signal (p.Trp156*) in the PAX6 gene. It is expected to result in an absent or disrupted protein product. Loss-of-function variants in PAX6 are known to be pathogenic (PMID: 12634864).

Wessex Regional Genetics Laboratory, Salisbury District Hospital
Classification: Pathogenic for Aniridia 1. Last evaluated: 2019-08-15. Review status: criteria provided, single submitter. Criteria: ACMG Guidelines, 2015. Collection method: clinical testing. Allele origin: de novo, unknown. Inheritance: Autosomal dominant inheritance. Affected: yes. Observed: 2 variant alleles.

Ambry Genetics
Classification: Pathogenic for Inborn genetic diseases. Last evaluated: 2016-06-28. Review status: criteria provided, single submitter. Criteria: Ambry exome assertion method (8-5-2015). Collection method: clinical testing. Allele origin: germline. Affected: yes. Observed: 1 variant allele.

Literature cited by the submitters: PubMed 28321846 (cited by Labcorp Genetics (formerly Invitae), Labcorp); PubMed 32360764 (cited by Labcorp Genetics (formerly Invitae), Labcorp); PubMed 12634864 (cited by Labcorp Genetics (formerly Invitae), Labcorp).